The following is an entry in ClinVar:

NM_203290.4(POLR1C):c.661G>T (p.Asp221Tyr)

Gene: POLR1C (RNA polymerase I and III subunit C; plus strand). Cytogenetic location: 6p21.1.
Variant type: single nucleotide variant.
Coding change: c.661G>T on transcript NM_203290.4 (MANE Select); coding-DNA position 661, G replaced by T.
Protein change: p.Asp221Tyr; replaces aspartic acid 221 with tyrosine.
Molecular consequence: missense variant.
Genome position (GRCh38, 1-based): chr6:43,520,630, G>T. VCF-style: chr6-43520630-G-T. GRCh37 (hg19) VCF-style: chr6-43488368-G-T.
Other names: c.661G>T, p.Asp221Tyr (NM_001318876.2, NM_001363658.2); short protein forms D221Y.
Identifiers: ClinVar variation 4874798 (VCV004874798.2).

ClinVar aggregate classification (germline): Uncertain significance (1 of 4 stars; one submission).

gnomAD v4.1: 1 of 1,614,182 alleles (0.000062%); highest among the groups gnomAD compares: Admixed American, 0.0017%; no homozygotes.

Submission:

CeGaT Center for Human Genetics Tuebingen
Classification: Uncertain significance. Last evaluated: 2026-04-01. Review status: criteria provided, single submitter. Criteria: CeGaT Center For Human Genetics Tuebingen Variant Classification Criteria Version 2. Collection method: clinical testing. Allele origin: germline. Affected: yes. Observed: 1 variant allele.
Comment: POLR1C: PM2, PP3